The following is an entry in ClinVar:

ClinVar aggregate classification (germline): Conflicting classifications of pathogenicity. Review status: criteria provided, conflicting classifications (1 of 4 stars). 11 submissions from 11 submitters: Pathogenic (4); Likely pathogenic (3); Uncertain significance (1); Likely benign (1). 2 of the submissions do not count toward it. Last evaluated 2026-02-18.

Conditions:
KANSL1-related disorder. Also called: KANSL1-related condition.
Inborn genetic diseases. Identifiers: MedGen C0950123, MeSH D030342.
Koolen-de Vries syndrome (KDVS). Identifiers: Orphanet 96169, MedGen C1864871, MONDO:0012496, OMIM 610443.

Allele frequency attached by ClinVar (database versions not stated): gnomAD 0.00001; gnomAD exomes 0.00002; ExAC 0.00003.

Submissions (11):

Ambry Genetics
Classification: Pathogenic for Inborn genetic diseases. Last evaluated: 2026-02-18. Review status: criteria provided, single submitter. Criteria: Ambry Variant Classification Scheme 2023. Collection method: clinical testing. Allele origin: germline.
Comment: The c.808_809delCT (p.L270Vfs*11) alteration, located in exon 2 (coding exon 1) of the KANSL1 gene, consists of a deletion of 2 nucleotides from position 808 to 809, causing a translational frameshift with a predicted alternate stop codon after 11 amino acids. This alteration is expected to result in loss of function by premature protein truncation or nonsense-mediated mRNA decay. This KANSL1 variant is located in a genomically complex region; therefore, while this variant is expected to be deleterious, it is recommended to confirm that it has occurred de novo prior to classifying it as such (Koolen, 2016). Based on data from gnomAD, the c.808_809delCT allele has an overall frequency of 0.002% (7/282852) total alleles studied. The highest observed frequency was 0.01% (3/30616) of South Asian alleles. Based on the available evidence, this alteration is classified as pathogenic.

Centre for Medical Genetics,  Mumbai
Classification: Likely benign for Koolen-de Vries syndrome. Last evaluated: 2026-02-02. Review status: criteria provided, single submitter. Criteria: ACMG Guidelines, 2015. Collection method: provider interpretation. Allele origin: germline. Inheritance: Autosomal dominant inheritance. Affected: no. Observed: 1 heterozygote.
Comment: The variant classifies PS4 criteria; For dominant rare disorders, appeared in affected cases while extremely rare in population (PM2 met), OR, the prevalence of the variant in affected individuals is significantly increased compared to the prevalence in controls. The variant satisfies PVS1 criteria; Null variant in a gene where loss of function is a known mechanism of disease. However, the variant satisfies BS2 criteria.

Fulgent Genetics
Classification: Uncertain significance for Koolen-de Vries syndrome. Last evaluated: 2024-04-18. Review status: criteria provided, single submitter. Criteria: ACMG Guidelines, 2015. Collection method: clinical testing. Allele origin: germline.

PreventionGenetics, part of Exact Sciences
Classification: Pathogenic for KANSL1-related condition. Last evaluated: 2023-04-25. Review status: criteria provided, single submitter. Criteria: ACMG Guidelines, 2015. Collection method: clinical testing. Allele origin: germline.
Comment: The KANSL1 c.808_809delCT variant is predicted to result in a frameshift and premature protein termination (p.Leu270Valfs*11). This variant was reported in multiple individuals with Koolen-de Vries syndrome or a neurodevelopmental phenotype. In many cases, the variant arose de novo (Nair et al. 2018. PubMed ID: 30293248; Table S1 - Gabriel et al. 2021. PubMed ID: 34958143; Tolusso et al. 2021. PubMed ID: 33442022; Table S2 - Turner et al. 2019. PubMed ID: 31785789). This variant is reported in 0.0098% of alleles in individuals of South Asian descent in gnomAD. Frameshift variants in KANSL1 are expected to be pathogenic. This variant is interpreted as pathogenic.

Breda Genetics srl
Classification: Likely pathogenic for Koolen-de Vries syndrome. Last evaluated: 2022-06-23. Review status: criteria provided, single submitter. Criteria: ACMG Guidelines, 2015. Collection method: clinical testing. Allele origin: germline. Inheritance: Autosomal dominant inheritance. Affected: yes. Observed: 1 variant allele, 1 heterozygote.
Comment: The variant c.808_809del (p.Leu270Valfs*11) in the KANSL1 gene is reported with conflicting interpretations (pathogenic, likely pathogenic, uncertain) in ClinVar for Koolen-de Vries syndrome (Variation ID: 168412) and as likely pathogenic in the LOVD database v.3.0 (genomic variant: #0000795640). The variant c.808_809del (p.Leu270Valfs*11) has been reported as pathogenic by Niar et al. (2018, PMID: 30293248) in a patient with a diagnosis of Koolen-deVries syndrome, which had developmental delay, intellectual disability, hypotony, ptosis, short stature, and ligamentous laxity. The variant creates a shift in the reading frame which is predicted to result in a premature stop codon 11 amino acids downstream, which is likely to result in a truncated protein or protein loss due to nonsense-mediated messenger decay (NMD). The variant is reported with an estimated allele frequency of 0.00002386 in gnomAD exomes and di 0.00003185 in gnomAD genomes with no homozygous individuals reported.

Revvity Omics, Revvity
Classification: Likely pathogenic for Koolen-de Vries syndrome. Last evaluated: 2022-05-26. Review status: criteria provided, single submitter. Criteria: ACMG Guidelines, 2015. Collection method: clinical testing. Allele origin: germline.

Blueprint Genetics
Classification: Likely pathogenic for KANSL1-related disorders. Last evaluated: 2019-07-26. Review status: criteria provided, single submitter. Criteria: ACMG Guidelines, 2015. Collection method: clinical testing. Allele origin: germline. Affected: yes. Observed: 1 variant allele.

CeGaT Center for Human Genetics Tuebingen
Classification: Pathogenic. Last evaluated: 2019-04-01. Review status: criteria provided, single submitter. Criteria: CeGaT Center For Human Genetics Tuebingen Variant Classification Criteria Version 2. Collection method: clinical testing. Allele origin: germline. Affected: yes. Observed: 1 variant allele.

Baylor Genetics
Classification: Pathogenic for Koolen-de Vries syndrome. Last evaluated: 2018-09-28. Review status: criteria provided, single submitter. Criteria: ACMG Guidelines, 2015. Collection method: clinical testing. Allele origin: de novo. Affected: yes.
Comment: This variant was determined to be pathogenic according to ACMG Guidelines, 2015 [PMID:25741868].

Mendelics
Classification: Uncertain significance. Last evaluated: 2022-05-04. Review status: flagged submission. Criteria: Mendelics Assertion Criteria 2019. Collection method: clinical testing. Allele origin: germline. Not counted in ClinVar's aggregate classification.
ClinVar note: Reason: Outlier claim with insufficient supporting evidence

Labcorp Genetics (formerly Invitae), Labcorp
Classification: Uncertain significance for Koolen-de Vries syndrome. Last evaluated: 2021-08-31. Review status: flagged submission. Criteria: Invitae Variant Classification Sherloc (09022015). Collection method: clinical testing. Allele origin: germline. Not counted in ClinVar's aggregate classification.
ClinVar note: Reason: Outlier claim with insufficient supporting evidence

Literature cited by the submitters: PubMed 26306646 (cited by Ambry Genetics); PubMed 28440867 (cited by Ambry Genetics); PubMed 30293248 (cited by Ambry Genetics and Breda Genetics srl); PubMed 31278258 (cited by Ambry Genetics); PubMed 31440721 (cited by Ambry Genetics); PubMed 31785789 (cited by Ambry Genetics); PubMed 33442022 (cited by Ambry Genetics); PubMed 36529818 (cited by Ambry Genetics); PubMed 19447831 (cited by Centre for Medical Genetics,  Mumbai).

NM_015443.4(KANSL1):c.808_809del (p.Leu270fs)

Gene: KANSL1 (KAT8 regulatory NSL complex subunit 1). Cytogenetic location: 17q21.31.
Variant type: Deletion.
Coding change: c.808_809del on transcript NM_015443.4 (MANE Select); coding-DNA positions 808 to 809, 2 bases deleted.
Protein change: p.Leu270fs; shifts the reading frame from leucine 270.
Molecular consequence: frameshift variant.
Genome position: GRCh38 VCF-style: chr17-46171334-CAG-C. GRCh37 (hg19) VCF-style: chr17-44248700-CAG-C.
Other names: c.808_809del, p.Leu270fs (NM_001193465.2, NM_001193466.2, NM_001379198.1); c.808_809del (NM_001193466.1); short protein forms L270fs.
Identifiers: ClinVar variation 468412 (VCV000468412.62), dbSNP rs551541795, ClinGen allele CA8618954.